The following is an entry in ClinVar:

ClinVar aggregate classification (germline): Uncertain significance (1 of 4 stars; one submission).

gnomAD v4.1: 9 of 1,591,680 alleles (0.00057%); highest among the groups gnomAD compares: Admixed American, 0.0035%; no homozygotes.

Submission:

Labcorp Genetics (formerly Invitae), Labcorp
Classification: Uncertain significance. Last evaluated: 2025-09-24. Review status: criteria provided, single submitter. Criteria: Invitae Variant Classification Sherloc (09022015). Collection method: clinical testing. Allele origin: germline.
Comment: This sequence change replaces histidine, which is basic and polar, with asparagine, which is neutral and polar, at codon 612 of the SIX5 protein (p.His612Asn). This variant is not present in population databases (gnomAD no frequency). This variant has not been reported in the literature in individuals affected with SIX5-related conditions. Invitae Evidence Modeling of protein sequence and biophysical properties (such as structural, functional, and spatial information, amino acid conservation, physicochemical variation, residue mobility, and thermodynamic stability) indicates that this missense variant is not expected to disrupt SIX5 protein function with a negative predictive value of 80%. In summary, the available evidence is currently insufficient to determine the role of this variant in disease. Therefore, it has been classified as a Variant of Uncertain Significance.

NM_175875.5(SIX5):c.1834C>A (p.His612Asn)

Gene: SIX5 (SIX homeobox 5; minus strand). Cytogenetic location: 19q13.32.
Variant type: single nucleotide variant.
Coding change: c.1834C>A on transcript NM_175875.5 (MANE Select); coding-DNA position 1834, C replaced by A.
Protein change: p.His612Asn; replaces histidine 612 with asparagine.
Molecular consequence: missense variant.
Genome position (GRCh38, 1-based): chr19:45,765,887, G>T on the plus strand (C>A on the coding strand, the complement: SIX5 is on the minus strand). VCF-style: chr19-45765887-G-T. GRCh37 (hg19) VCF-style: chr19-46269145-G-T.
Other names: short protein forms H612N.
Identifiers: ClinVar variation 4781029 (VCV004781029.1).
Genomic context (GRCh38, chr19:45,765,887, plus strand): 5'-TGCTGGAGGTGGTGGCAGCGGCGGGGGGTGGCTGCTGTGCAGAAAGGGTGCCTAGGGCGT[G>T]AGCCTCTGGGAGAGCAGGGCTGGGGGCCACCGGGAGGCCTCCCTCAGGCACGGAGATGGC-3'
Protein context (NP_787071.3, residues 602-622): VAPSPALPEA[His612Asn]ALGTLSAQQP